The following is an entry in ClinVar:

NM_001385.3(DPYS):c.272T>C (p.Leu91Pro)

Gene: DPYS (dihydropyrimidinase; minus strand). Cytogenetic location: 8q22.3.
Variant type: single nucleotide variant.
Coding change: c.272T>C on transcript NM_001385.3 (MANE Select); coding-DNA position 272, T replaced by C.
Protein change: p.Leu91Pro; replaces leucine 91 with proline.
Molecular consequence: missense variant.
Genome position (GRCh38, 1-based): chr8:104,451,397, A>G on the plus strand (T>C on the coding strand, the complement: DPYS is on the minus strand). VCF-style: chr8-104451397-A-G. GRCh37 (hg19) VCF-style: chr8-105463625-A-G.
Other names: short protein forms L91P.
Identifiers: ClinVar variation 1411584 (VCV001411584.4), dbSNP rs1256205193, ClinGen allele CA371938253.
Genomic context (GRCh38, chr8:104,451,397, plus strand): 5'-ATGAGGGAGCCACCTTTCTGAGGAATGGCGAAATCAATAATCATGGTGGTGCCTCCTGAG[A>G]GAGCAGCCTGGAATCATAAGAGGTTTTCAACAAATTAGCTATCAATTTCCTAGTTAAGTC-3'
Protein context (NP_001376.1, residues 81-101): DDFHQGTKAA[Leu91Pro]SGGTTMIIDF

ClinVar aggregate classification (germline): Uncertain significance (1 of 4 stars; one submission).

Allele frequency attached by ClinVar (database versions not stated): gnomAD exomes below 0.00001; gnomAD 0.00003.
gnomAD v4.1: 6 of 1,614,062 alleles (0.00037%); highest among the groups gnomAD compares: Non-Finnish European, 0.00042%; no homozygotes.

Submission:

Labcorp Genetics (formerly Invitae), Labcorp
Classification: Uncertain significance. Last evaluated: 2021-12-02. Review status: criteria provided, single submitter. Criteria: Invitae Variant Classification Sherloc (09022015). Collection method: clinical testing. Allele origin: germline.
Comment: This sequence change replaces leucine, which is neutral and non-polar, with proline, which is neutral and non-polar, at codon 91 of the DPYS protein (p.Leu91Pro). In summary, the available evidence is currently insufficient to determine the role of this variant in disease. Therefore, it has been classified as a Variant of Uncertain Significance. Algorithms developed to predict the effect of missense changes on protein structure and function (SIFT, PolyPhen-2, Align-GVGD) all suggest that this variant is likely to be disruptive. This variant has not been reported in the literature in individuals affected with DPYS-related conditions. This variant is present in population databases (no rsID available, gnomAD 0.004%).